The following is an entry in ClinVar:

NM_153717.3(EVC):c.2362C>T (p.Arg788Cys)

Gene: EVC (EvC ciliary complex subunit 1; plus strand). Cytogenetic location: 4p16.2.
Variant type: single nucleotide variant.
Coding change: c.2362C>T on transcript NM_153717.3 (MANE Select); coding-DNA position 2362, C replaced by T.
Protein change: p.Arg788Cys; replaces arginine 788 with cysteine.
Molecular consequence: missense variant.
Genome position (GRCh38, 1-based): chr4:5,802,007, C>T. VCF-style: chr4-5802007-C-T. GRCh37 (hg19) VCF-style: chr4-5803734-C-T.
Other names: c.2362C>T, p.Arg788Cys (NM_001306090.2); short protein forms R788C.
Identifiers: ClinVar variation 5036232 (VCV005036232.1).
Genomic context (GRCh38, chr4:5,802,007, plus strand): 5'-CAGAGGACACTGATGGAGGCGGCAGTGGAGAGCGTCTACGTGACCAGCGCTGGTGTCAGC[C>T]GCCTGGTGCAGGCGTATTACCAGCAAATCGGAAGGATCATGGAGGACCACGAGGAGAGAA-3'
Protein context (NP_714928.1, residues 778-798): SVYVTSAGVS[Arg788Cys]LVQAYYQQIG

ClinVar aggregate classification (germline): Uncertain significance (1 of 4 stars; one submission).

Conditions:
Inborn genetic diseases. Identifiers: MedGen C0950123, MeSH D030342.

gnomAD v4.1: 7 of 1,614,160 alleles (0.00043%); highest among the groups gnomAD compares: South Asian, 0.0011%; no homozygotes.

Submission:

Ambry Genetics
Classification: Uncertain significance for Inborn genetic diseases. Last evaluated: 2026-08-04. Review status: criteria provided, single submitter. Criteria: Ambry Variant Classification Scheme 2023. Collection method: clinical testing. Allele origin: germline.
Comment: The c.2362C>T (p.R788C) alteration is located in exon 16 (coding exon 16) of the EVC gene. This alteration results from a C to T substitution at nucleotide position 2362, causing the arginine (R) at amino acid position 788 to be replaced by a cysteine (C). Based on data from gnomAD, the T allele has an overall frequency of <0.001% (1/251326) total alleles studied. The highest observed frequency was 0.003% (1/30612) of South Asian alleles. Based on insufficient or conflicting evidence, the clinical significance of this alteration remains unclear.